The following is an entry in ClinVar:

ClinVar aggregate classification (germline): Likely benign (0 of 4 stars; one submission).

Conditions:
SEMA3G-related disorder. Also called: SEMA3G-related condition.

Allele frequency attached by ClinVar (database versions not stated): ExAC 0.00005; TOPMed 0.00006; ESP Exome Variant Server 0.00008; gnomAD 0.00008; gnomAD exomes 0.00009.
gnomAD v4.1: 149 of 1,613,188 alleles (0.0092%); highest among the groups gnomAD compares: Non-Finnish European, 0.011%; no homozygotes.

Submission:

PreventionGenetics, part of Exact Sciences
Classification: Likely benign for SEMA3G-related condition. Last evaluated: 2021-12-29. Review status: no assertion criteria provided. Collection method: clinical testing. Allele origin: germline.
Comment: This variant is classified as likely benign based on ACMG/AMP sequence variant interpretation guidelines (Richards et al. 2015 PMID: 25741868, with internal and published modifications).

NM_020163.3(SEMA3G):c.1596C>T (p.Cys532=)

Gene: SEMA3G (semaphorin 3G; minus strand). Cytogenetic location: 3p21.1.
Variant type: single nucleotide variant.
Coding change: c.1596C>T on transcript NM_020163.3 (MANE Select); coding-DNA position 1596, C replaced by T.
Protein change: p.Cys532=; no amino-acid change (cysteine 532 retained).
Molecular consequence: synonymous variant.
Genome position (GRCh38, 1-based): chr3:52,438,113, G>A on the plus strand (C>T on the coding strand, the complement: SEMA3G is on the minus strand). VCF-style: chr3-52438113-G-A. GRCh37 (hg19) VCF-style: chr3-52472129-G-A.
Identifiers: ClinVar variation 3035235 (VCV003035235.2), dbSNP rs368724335, ClinGen allele CA2437867.